The following is an entry in ClinVar:

ClinVar aggregate classification (germline): Uncertain significance (1 of 4 stars; one submission).

Submission:

Ambry Genetics
Classification: Uncertain significance. Last evaluated: 2025-12-20. Review status: criteria provided, single submitter. Criteria: Ambry Variant Classification Scheme 2023. Collection method: clinical testing. Allele origin: germline.
Comment: The p.C762G variant (also known as c.2284T>G), located in coding exon 8 of the RNF43 gene, results from a T to G substitution at nucleotide position 2284. The cysteine at codon 762 is replaced by glycine, an amino acid with highly dissimilar properties. This amino acid position is conserved. In addition, the in silico prediction for this alteration is inconclusive. Based on the available evidence, the clinical significance of this variant remains unclear.

NM_017763.6(RNF43):c.2284T>G (p.Cys762Gly)

Gene: RNF43 (ring finger protein 43; minus strand). Cytogenetic location: 17q22.
Variant type: single nucleotide variant.
Coding change: c.2284T>G on transcript NM_017763.6 (MANE Select); coding-DNA position 2284, T replaced by G.
Protein change: p.Cys762Gly; replaces cysteine 762 with glycine.
Molecular consequence: missense variant.
Genome position (GRCh38, 1-based): chr17:58,357,492, A>C on the plus strand (T>G on the coding strand, the complement: RNF43 is on the minus strand). VCF-style: chr17-58357492-A-C. GRCh37 (hg19) VCF-style: chr17-56434853-A-C.
Other names: c.2284T>G, p.Cys762Gly (NM_001305544.3, NM_001438820.1, NM_001438821.1 and 1 more transcripts); c.1903T>G, p.Cys635Gly (NM_001305545.2, NM_001437987.1); short protein forms C762G, C635G.
Identifiers: ClinVar variation 4841963 (VCV004841963.1).